The following is an entry in ClinVar:

ClinVar aggregate classification (germline): Uncertain significance (1 of 4 stars; one submission).

Conditions:
Schuurs-Hoeijmakers syndrome. Also called: PACS1-Related Neurodevelopmental Disorder. Identifiers: Orphanet 329224, MedGen C3554343, MONDO:0014006, OMIM 615009.

Submission:

3billion
Classification: Uncertain significance for Schuurs-Hoeijmakers syndrome. Last evaluated: 2025-12-02. Review status: criteria provided, single submitter. Criteria: ACMG Guidelines, 2015. Collection method: clinical testing. Allele origin: germline. Affected: yes.
Comment: The variant is not observed in the gnomAD v4.1.0 dataset. Predicted Consequence/Location: Intron variant In silico tools predict the variant to alter splicing and produce an abnormal transcript [SpliceAI: 0.20 (>=0.2, moderate evidence for spliceogenicity)]. Therefore, this variant is classified as VUS according to the recommendation of ACMG/AMP guideline.

NM_018026.4(PACS1):c.356+44539A>C

Gene: PACS1 (phosphofurin acidic cluster sorting protein 1; plus strand). Cytogenetic location: 11q13.2.
Variant type: single nucleotide variant.
Coding change: c.356+44539A>C on transcript NM_018026.4 (MANE Select); 44539 bases into the intron after coding-DNA position 356, A replaced by C.
Molecular consequence: intron variant.
Genome position (GRCh38, 1-based): chr11:66,115,381, A>C. VCF-style: chr11-66115381-A-C. GRCh37 (hg19) VCF-style: chr11-65882852-A-C.
Identifiers: ClinVar variation 4855113 (VCV004855113.1).